The following is an entry in ClinVar:

ClinVar aggregate classification (germline): Benign. Review status: criteria provided, multiple submitters, no conflicts (2 of 4 stars). 2 submissions from 2 submitters: Benign (2). Last evaluated 2013-12-19.

Allele frequency attached by ClinVar (database versions not stated): gnomAD exomes 0.04545; gnomAD 0.04700 and 0.04687; 1000 Genomes Project 0.06050; TOPMed 0.05021; 1000 Genomes Project 30x 0.05949.

Submissions (2):

GeneDx
Classification: Benign. Last evaluated: 2013-12-19. Review status: criteria provided, single submitter. Criteria: GeneDx Variant Classification (06012015). Collection method: clinical testing. Allele origin: germline. Affected: yes.
Comment: This variant is considered likely benign or benign based on one or more of the following criteria: it is a conservative change, it occurs at a poorly conserved position in the protein, it is predicted to be benign by multiple in silico algorithms, and/or has population frequency not consistent with disease.

Breakthrough Genomics
Classification: Benign. Review status: criteria provided, single submitter. Criteria: ACMG Guidelines, 2015. Collection method: not provided. Allele origin: germline. Inheritance: Autosomal recessive inheritance. Affected: yes.

NM_024301.5(FKRP):c.-40+8C>G

Gene: FKRP (fukutin related protein; plus strand). Cytogenetic location: 19q13.32.
Variant type: single nucleotide variant.
Coding change: c.-40+8C>G on transcript NM_024301.5 (MANE Select); 8 bases into the intron after 40 bases upstream of the start codon, C replaced by G.
Molecular consequence: intron variant. On other transcripts: 5 prime UTR variant (1).
Genome position (GRCh38, 1-based): chr19:46,748,673, C>G. VCF-style: chr19-46748673-C-G. GRCh37 (hg19) VCF-style: chr19-47251930-C-G.
Other names: c.-84C>G (NM_001039885.3).
Identifiers: ClinVar variation 137381 (VCV000137381.2), dbSNP rs36215245, ClinGen allele CA290938.